The following is an entry in ClinVar:

NM_033026.6(PCLO):c.199C>T (p.Pro67Ser)

Gene: PCLO (piccolo presynaptic cytomatrix protein; minus strand). Cytogenetic location: 7q21.11.
Variant type: single nucleotide variant.
Coding change: c.199C>T on transcript NM_033026.6 (MANE Select); coding-DNA position 199, C replaced by T.
Protein change: p.Pro67Ser; replaces proline 67 with serine.
Molecular consequence: missense variant.
Genome position (GRCh38, 1-based): chr7:83,162,394, G>A on the plus strand (C>T on the coding strand, the complement: PCLO is on the minus strand). VCF-style: chr7-83162394-G-A. GRCh37 (hg19) VCF-style: chr7-82791710-G-A.
Other names: c.199C>T, p.Pro67Ser (NM_014510.3); short protein forms P67S.
Identifiers: ClinVar variation 1994413 (VCV001994413.4), dbSNP rs1792464811, ClinGen allele CA367922235.

ClinVar aggregate classification (germline): Uncertain significance (1 of 4 stars; one submission).

Allele frequency attached by ClinVar (database versions not stated): gnomAD exomes 0.00001; TOPMed 0.00001.
gnomAD v4.1: 11 of 1,598,876 alleles (0.00069%); highest among the groups gnomAD compares: Non-Finnish European, 0.00094%; no homozygotes.

Submission:

Labcorp Genetics (formerly Invitae), Labcorp
Classification: Uncertain significance. Last evaluated: 2022-05-14. Review status: criteria provided, single submitter. Criteria: Invitae Variant Classification Sherloc (09022015). Collection method: clinical testing. Allele origin: germline.
Comment: Algorithms developed to predict the effect of missense changes on protein structure and function are either unavailable or do not agree on the potential impact of this missense change (SIFT: "Deleterious"; PolyPhen-2: "Not Available"; Align-GVGD: "Class C0"). This variant has not been reported in the literature in individuals affected with PCLO-related conditions. This variant is not present in population databases (gnomAD no frequency). This sequence change replaces proline, which is neutral and non-polar, with serine, which is neutral and polar, at codon 67 of the PCLO protein (p.Pro67Ser). In summary, the available evidence is currently insufficient to determine the role of this variant in disease. Therefore, it has been classified as a Variant of Uncertain Significance.